The following is an entry in ClinVar:

NM_004006.3(DMD):c.8668+17C>A

Gene: DMD (dystrophin; minus strand). Cytogenetic location: Xp21.2.
Variant type: single nucleotide variant.
Coding change: c.8668+17C>A on transcript NM_004006.3 (MANE Select); 17 bases into the intron after coding-DNA position 8668, C replaced by A.
Molecular consequence: intron variant.
Genome position (GRCh38, 1-based): chrX:31,478,966, G>T on the plus strand (C>A on the coding strand, the complement: DMD is on the minus strand). VCF-style: chrX-31478966-G-T. GRCh37 (hg19) VCF-style: chrX-31497083-G-T.
Other names: c.8644+17C>A (NM_000109.4); c.4645+17C>A (NM_004011.4); c.4636+17C>A (NM_004012.4); c.1288+17C>A (NM_004023.3, NM_004020.4, NM_004022.3 and 2 more transcripts); c.481+17C>A (NM_004014.3); c.8656+17C>A (NM_004009.3); c.8299+17C>A (NM_004010.3).
Identifiers: ClinVar variation 506984 (VCV000506984.6), dbSNP rs750783328, ClinGen allele CA658799643.

ClinVar aggregate classification (germline): Likely benign. Review status: criteria provided, multiple submitters, no conflicts (2 of 4 stars). 2 submissions from 2 submitters: Likely benign (2). Last evaluated 2025-07-29.

Conditions:
Duchenne muscular dystrophy (DMD). Also called: MUSCULAR DYSTROPHY, PSEUDOHYPERTROPHIC PROGRESSIVE, DUCHENNE TYPE; Duchenne Muscular Dystrophy (DMD). Identifiers: Orphanet 98896, MedGen C0013264, MONDO:0010679, OMIM 310200.

Submissions (2):

Labcorp Genetics (formerly Invitae), Labcorp
Classification: Likely benign for Duchenne muscular dystrophy. Last evaluated: 2025-07-29. Review status: criteria provided, single submitter. Criteria: Invitae Variant Classification Sherloc (09022015). Collection method: clinical testing. Allele origin: germline.

GeneDx
Classification: Likely benign. Last evaluated: 2017-01-24. Review status: criteria provided, single submitter. Criteria: GeneDx Variant Classification (06012015). Collection method: clinical testing. Allele origin: germline. Affected: yes.
Comment: This variant is considered likely benign or benign based on one or more of the following criteria: it is a conservative change, it occurs at a poorly conserved position in the protein, it is predicted to be benign by multiple in silico algorithms, and/or has population frequency not consistent with disease.